The following is an entry in ClinVar:

ClinVar aggregate classification (germline): Likely pathogenic (1 of 4 stars; one submission).

Conditions:
Immunodeficiency 84. Identifiers: Orphanet 697385, MedGen C5561940, MONDO:0030333, OMIM 619437.

Submission:

Center for Precision Genome Editing and Genetic Technologies for Biomedicine, Pirogov Russian National Research Medical University
Classification: Likely pathogenic for Immunodeficiency 84. Last evaluated: 2024-09-04. Review status: criteria provided, single submitter. Criteria: ACMG Guidelines, 2015. Collection method: clinical testing. Allele origin: unknown. Inheritance: Autosomal dominant inheritance. Affected: yes. Observed: 1 heterozygote.
Comment: IKZF3(NM_012481.5):c.1_7del (p.Met1IlefsTer8) The variant results in the loss of the start codon and disruption of protein synthesis. Variants of this type are known to cause disease and meet the PVS1 criterion. This specific variant has not been observed in control populations or in patients with Immunodeficiency 84 (OMIM: 619437), thus fulfilling the PM2 criterion. Based on the applied ACMG/AMP guidelines (PVS1, PM2), this variant is classified as likely pathogenic for Immunodeficiency 84 (OMIM: 619437).

NM_012481.5(IKZF3):c.1_7delATGGAAG (p.Met1fs)

Genes: IKZF3 (IKAROS family zinc finger 3; minus strand), LOC130060784 (ATAC-STARR-seq lymphoblastoid active region 12113; plus strand). Cytogenetic location: 17q21.1.
Variant type: Deletion.
Coding change: c.1_7delATGGAAG on transcript NM_012481.5 (MANE Select); coding-DNA positions 1 to 7, 7 bases deleted (ATGGAAG).
Protein change: p.Met1fs; shifts the reading frame from methionine 1.
Molecular consequence: frameshift variant, initiator codon variant. On other transcripts: 5 prime UTR variant (2).
Genome position (GRCh38, 1-based): chr17:39,864,120-39,864,126, CTTCCAT deleted on the plus strand (ATGGAAG on the coding strand, the reverse complement: IKZF3 is on the minus strand). VCF-style (leftmost placement, unchanged base first): chr17-39864119-CCTTCCAT-C. GRCh37 (hg19) VCF-style: chr17-38020372-CCTTCCAT-C.
Other names: c.1_7del (NM_012481.5); c.1_7delATGGAAG, p.Met1fs (NM_001257408.2, NM_001257409.2, NM_001257410.2 and 9 more transcripts); c.-867_-861delATGGAAG (NM_001284514.2); c.-699_-693delATGGAAG (NM_001284515.2); short protein forms M1fs.
Identifiers: ClinVar variation 3775109 (VCV003775109.1).
Genomic context (GRCh38, chr17:39,864,119, plus strand): 5'-CTGCTTGCACAGGTTAAGTTTCTCAAAGACCCCGGAGAAAAGAAGCGGGCTGGAGGCTCA[CCTTCCAT>C]GTCGCTGCCGGGCCGGGCTGGAGCTGCCGCTGTGGCTACTCGGCCTCTCCACGTGCTCCT-3'